The following is an entry in ClinVar:

ClinVar aggregate classification (germline): Likely benign. Review status: criteria provided, multiple submitters, no conflicts (2 of 4 stars). 3 submissions from 3 submitters: Likely benign (3). Last evaluated 2026-01-08.

Allele frequency attached by ClinVar (database versions not stated): ExAC 0.00011; gnomAD 0.00016; TOPMed 0.00021; ESP Exome Variant Server 0.00023; 1000 Genomes Project 30x 0.00031.
gnomAD v4.1: 148 of 1,590,642 alleles (0.0093%); highest among the groups gnomAD compares: African/African-American, 0.036%; no homozygotes.

Submissions (3):

Labcorp Genetics (formerly Invitae), Labcorp
Classification: Likely benign. Last evaluated: 2026-01-08. Review status: criteria provided, single submitter. Criteria: Invitae Variant Classification Sherloc (09022015). Collection method: clinical testing. Allele origin: germline.

Blueprint Genetics
Classification: Likely benign. Last evaluated: 2024-09-23. Review status: criteria provided, single submitter. Criteria: ACMG Guidelines, 2015. Collection method: clinical testing. Allele origin: germline.

CeGaT Center for Human Genetics Tuebingen
Classification: Likely benign. Last evaluated: 2022-05-01. Review status: criteria provided, single submitter. Criteria: CeGaT Center For Human Genetics Tuebingen Variant Classification Criteria Version 2. Collection method: clinical testing. Allele origin: germline. Affected: yes. Observed: 1 variant allele.
Comment: DLL1: BP4, BP7

NM_005618.4(DLL1):c.1323C>T (p.Asp441=)

Gene: DLL1 (delta like canonical Notch ligand 1; minus strand). Cytogenetic location: 6q27.
Variant type: single nucleotide variant.
Coding change: c.1323C>T on transcript NM_005618.4 (MANE Select); coding-DNA position 1323, C replaced by T.
Protein change: p.Asp441=; no amino-acid change (aspartic acid 441 retained).
Molecular consequence: synonymous variant.
Genome position (GRCh38, 1-based): chr6:170,283,956, G>A on the plus strand (C>T on the coding strand, the complement: DLL1 is on the minus strand). VCF-style: chr6-170283956-G-A. GRCh37 (hg19) VCF-style: chr6-170593044-G-A.
Identifiers: ClinVar variation 1979229 (VCV001979229.29), dbSNP rs12214318, ClinGen allele CA4106861.